The following is an entry in ClinVar:

NM_003482.4(KMT2D):c.15921+5G>A

Gene: KMT2D (lysine methyltransferase 2D; minus strand). Cytogenetic location: 12q13.12.
Variant type: single nucleotide variant.
Coding change: c.15921+5G>A on transcript NM_003482.4 (MANE Select); 5 bases into the intron after coding-DNA position 15921, G replaced by A.
Molecular consequence: intron variant.
Genome position (GRCh38, 1-based): chr12:49,024,805, C>T on the plus strand (G>A on the coding strand, the complement: KMT2D is on the minus strand). VCF-style: chr12-49024805-C-T. GRCh37 (hg19) VCF-style: chr12-49418588-C-T.
Identifiers: ClinVar variation 4882780 (VCV004882780.2).

ClinVar aggregate classification (germline): Uncertain significance (1 of 4 stars; one submission).

Conditions:
Kabuki syndrome 1 (KABUK1). Also called: KMT2D-Related Kabuki Syndrome. Identifiers: Orphanet 2322, MedGen CN030661, MONDO:0007843, OMIM 147920.

Submission:

Dasa
Classification: Uncertain significance for Kabuki syndrome 1. Last evaluated: 2026-01-26. Review status: criteria provided, single submitter. Criteria: DASA Assertion Criteria. Collection method: clinical testing. Allele origin: germline.
Comment: NM_003482.4(KMT2D):c.15921+5G>A is a splice-region variant predicted to affect normal RNA splicing. This variant is rare in population databases. Computational prediction algorithms are consistent with a deleterious effect. The currently available literature and clinical evidence are not sufficient to establish a definitive association between this variant and the reported condition. Therefore, this variant is classified as a variant of uncertain significance.